The following is an entry in ClinVar:

NM_000124.4(ERCC6):c.2054T>C (p.Leu685Pro)

Gene: ERCC6 (ERCC excision repair 6, chromatin remodeling factor; minus strand). Cytogenetic location: 10q11.23.
Variant type: single nucleotide variant.
Coding change: c.2054T>C on transcript NM_000124.4 (MANE Select); coding-DNA position 2054, T replaced by C.
Protein change: p.Leu685Pro; replaces leucine 685 with proline.
Molecular consequence: missense variant.
Genome position (GRCh38, 1-based): chr10:49,482,802, A>G on the plus strand (T>C on the coding strand, the complement: ERCC6 is on the minus strand). VCF-style: chr10-49482802-A-G. GRCh37 (hg19) VCF-style: chr10-50690848-A-G.
Other names: c.2054T>C, p.Leu685Pro (NM_001346440.2); short protein forms L685P.
Identifiers: ClinVar variation 1973627 (VCV001973627.6), dbSNP rs1275257135, ClinGen allele CA376724372.

ClinVar aggregate classification (germline): Conflicting classifications of pathogenicity. Review status: criteria provided, conflicting classifications (1 of 4 stars). 2 submissions from 2 submitters: Likely pathogenic (1); Uncertain significance (1). Last evaluated 2022-08-12.

Conditions:
Cockayne syndrome type 2 (CSB). Also called: Cockayne Syndrome, Type II; COCKAYNE SYNDROME B. Identifiers: Orphanet 191, Orphanet 90322, MedGen C0751038, MONDO:0019570, OMIM 133540.

Allele frequency attached by ClinVar (database versions not stated): TOPMed below 0.00001.

Submissions (2):

Labcorp Genetics (formerly Invitae), Labcorp
Classification: Uncertain significance. Last evaluated: 2022-08-12. Review status: criteria provided, single submitter. Criteria: Invitae Variant Classification Sherloc (09022015). Collection method: clinical testing. Allele origin: germline.
Comment: This sequence change replaces leucine, which is neutral and non-polar, with proline, which is neutral and non-polar, at codon 685 of the ERCC6 protein (p.Leu685Pro). This variant is not present in population databases (gnomAD no frequency). This variant has not been reported in the literature in individuals affected with ERCC6-related conditions. Algorithms developed to predict the effect of missense changes on protein structure and function (SIFT, PolyPhen-2, Align-GVGD) all suggest that this variant is likely to be disruptive. In summary, the available evidence is currently insufficient to determine the role of this variant in disease. Therefore, it has been classified as a Variant of Uncertain Significance.

Institute for Medical Genetics and Human Genetics, Charité - Universitätsmedizin Berlin
Classification: Likely pathogenic for Cockayne syndrome type 2. Review status: criteria provided, single submitter. Criteria: ACMG Guidelines, 2015. Collection method: not provided. Allele origin: germline. Inheritance: Autosomal recessive inheritance. Affected: yes.